The following is an entry in ClinVar:

ClinVar aggregate classification (germline): Uncertain significance (1 of 4 stars; one submission).

Allele frequency attached by ClinVar (database versions not stated): gnomAD exomes below 0.00001.
gnomAD v4.1: 4 of 1,613,558 alleles (0.00025%); highest among the groups gnomAD compares: Non-Finnish European, 0.00034%; no homozygotes.

Submission:

Labcorp Genetics (formerly Invitae), Labcorp
Classification: Uncertain significance. Last evaluated: 2025-09-08. Review status: criteria provided, single submitter. Criteria: Invitae Variant Classification Sherloc (09022015). Collection method: clinical testing. Allele origin: germline.
Comment: This sequence change replaces asparagine, which is neutral and polar, with serine, which is neutral and polar, at codon 756 of the ROR2 protein (p.Asn756Ser). This variant is not present in population databases (gnomAD no frequency). This variant has not been reported in the literature in individuals affected with ROR2-related conditions. ClinVar contains an entry for this variant (Variation ID: 1512031). Invitae Evidence Modeling of protein sequence and biophysical properties (such as structural, functional, and spatial information, amino acid conservation, physicochemical variation, residue mobility, and thermodynamic stability) indicates that this missense variant is not expected to disrupt ROR2 protein function with a negative predictive value of 80%. In summary, the available evidence is currently insufficient to determine the role of this variant in disease. Therefore, it has been classified as a Variant of Uncertain Significance.

NM_004560.4(ROR2):c.2267A>G (p.Asn756Ser)

Gene: ROR2 (receptor tyrosine kinase like orphan receptor 2; minus strand). Cytogenetic location: 9q22.31.
Variant type: single nucleotide variant.
Coding change: c.2267A>G on transcript NM_004560.4 (MANE Select); coding-DNA position 2267, A replaced by G.
Protein change: p.Asn756Ser; replaces asparagine 756 with serine.
Molecular consequence: missense variant.
Genome position (GRCh38, 1-based): chr9:91,724,227, T>C on the plus strand (A>G on the coding strand, the complement: ROR2 is on the minus strand). VCF-style: chr9-91724227-T-C. GRCh37 (hg19) VCF-style: chr9-94486509-T-C.
Other names: short protein forms N756S.
Identifiers: ClinVar variation 1512031 (VCV001512031.6), dbSNP rs2118612912, ClinGen allele CA373795004.